The following is an entry in ClinVar:

NM_182961.4(SYNE1):c.17369G>A (p.Gly5790Asp)

Genes: SYNE1 (spectrin repeat containing nuclear envelope protein 1; minus strand), LOC129997480 (ATAC-STARR-seq lymphoblastoid active region 25287; plus strand). Cytogenetic location: 6q25.2.
Variant type: single nucleotide variant.
Coding change: c.17369G>A on transcript NM_182961.4 (MANE Select); coding-DNA position 17369, G replaced by A.
Protein change: p.Gly5790Asp; replaces glycine 5790 with aspartic acid.
Molecular consequence: missense variant.
Genome position (GRCh38, 1-based): chr6:152,302,041, C>T on the plus strand (G>A on the coding strand, the complement: SYNE1 is on the minus strand). VCF-style: chr6-152302041-C-T. GRCh37 (hg19) VCF-style: chr6-152623176-C-T.
Other names: c.17156G>A, p.Gly5719Asp (NM_033071.5); short protein forms G5719D, G5790D.
Identifiers: ClinVar variation 1447673 (VCV001447673.30), dbSNP rs2153813360, ClinGen allele CA366103945.

ClinVar aggregate classification (germline): Uncertain significance. Review status: criteria provided, multiple submitters, no conflicts (2 of 4 stars). 2 submissions from 2 submitters: Uncertain significance (2). Last evaluated 2023-05-01.

Conditions:
Autosomal recessive ataxia, Beauce type. Also called: SYNE1-Related Autosomal Recessive Cerebellar Ataxia; ATAXIA, RECESSIVE, OF BEAUCE; Spinocerebellar ataxia, autosomal recessive 8; SYNE1 Deficiency. Identifiers: Orphanet 88644, MedGen C1853116, MONDO:0012549, OMIM 610743.
Emery-Dreifuss muscular dystrophy 4, autosomal dominant (EDMD4). Also called: EMERY-DREIFUSS MUSCULAR DYSTROPHY 4 WITH VARIABLE FEATURES. Identifiers: Orphanet 261, MedGen C2751807, MONDO:0013071, OMIM 612998.

Submissions (2):

CeGaT Center for Human Genetics Tuebingen
Classification: Uncertain significance. Last evaluated: 2023-05-01. Review status: criteria provided, single submitter. Criteria: CeGaT Center For Human Genetics Tuebingen Variant Classification Criteria Version 2. Collection method: clinical testing. Allele origin: germline. Affected: yes. Observed: 1 variant allele.
Comment: SYNE1: PM2

Labcorp Genetics (formerly Invitae), Labcorp
Classification: Uncertain significance for Emery-Dreifuss muscular dystrophy 4, autosomal dominant; Autosomal recessive ataxia, Beauce type. Last evaluated: 2021-11-18. Review status: criteria provided, single submitter. Criteria: Invitae Variant Classification Sherloc (09022015). Collection method: clinical testing. Allele origin: germline.
Comment: In summary, the available evidence is currently insufficient to determine the role of this variant in disease. Therefore, it has been classified as a Variant of Uncertain Significance. Algorithms developed to predict the effect of missense changes on protein structure and function are either unavailable or do not agree on the potential impact of this missense change (SIFT: "Deleterious"; PolyPhen-2: "Benign"; Align-GVGD: "Class C65"). This variant has not been reported in the literature in individuals affected with SYNE1-related conditions. This variant is not present in population databases (gnomAD no frequency). This sequence change replaces glycine, which is neutral and non-polar, with aspartic acid, which is acidic and polar, at codon 5719 of the SYNE1 protein (p.Gly5719Asp).